The following is an entry in ClinVar:

NM_001378615.1(CC2D2A):c.79C>T (p.Gln27Ter)

Genes: CC2D2A (coiled-coil and C2 domain containing 2A; plus strand), FBXL5 (F-box and leucine rich repeat protein 5; minus strand). Cytogenetic location: 4p15.32.
Variant type: single nucleotide variant.
Coding change: c.79C>T on transcript NM_001378615.1 (MANE Select); coding-DNA position 79, C replaced by T.
Protein change: p.Gln27Ter; replaces glutamine 27 with a stop codon.
Molecular consequence: nonsense.
Genome position (GRCh38, 1-based): chr4:15,478,762, C>T. VCF-style: chr4-15478762-C-T. GRCh37 (hg19) VCF-style: chr4-15480386-C-T.
Other names: c.79C>T, p.Gln27Ter (NM_001080522.2, NM_001164720.3, NM_020785.2); short protein forms Q27*.
Identifiers: ClinVar variation 2927618 (VCV002927618.3), dbSNP rs2474823203, ClinGen allele CA356407150.

ClinVar aggregate classification (germline): Pathogenic (1 of 4 stars; one submission).

Conditions:
Joubert syndrome. Also called: JOUBERT-BOLTSHAUSER SYNDROME; Familial aplasia of the vermis. Identifiers: Orphanet 475, MedGen C5979921, MONDO:0018772.
Meckel-Gruber syndrome. Also called: DYSENCEPHALIA SPLANCHNOCYSTICA; GRUBER SYNDROME; Dysencephalia splachnocystica. Identifiers: Orphanet 564, MedGen C0265215, MONDO:0018921.

Submission:

Labcorp Genetics (formerly Invitae), Labcorp
Classification: Pathogenic for Joubert syndrome; Meckel-Gruber syndrome. Last evaluated: 2024-01-13. Review status: criteria provided, single submitter. Criteria: Invitae Variant Classification Sherloc (09022015). Collection method: clinical testing. Allele origin: germline.
Comment: This sequence change creates a premature translational stop signal (p.Gln27*) in the CC2D2A gene. It is expected to result in an absent or disrupted protein product. Loss-of-function variants in CC2D2A are known to be pathogenic (PMID: 19777577). This variant is not present in population databases (gnomAD no frequency). This variant has not been reported in the literature in individuals affected with CC2D2A-related conditions. For these reasons, this variant has been classified as Pathogenic.

Literature cited by the submitters: PubMed 19777577.